The following is an entry in ClinVar:

ClinVar aggregate classification (germline): Uncertain significance (1 of 4 stars; one submission).

Conditions:
Idiopathic generalized epilepsy. Also called: Generalised epilepsy; EIG. Identifiers: MedGen C0270850, MONDO:0005579, OMIM 600669.
Hyperaldosteronism, familial, type IV (HALD4). Also called: FH IV; ALDOSTERONISM, PRIMARY, AND HYPERTENSION. Identifiers: Orphanet 642671, MedGen C4310756, MONDO:0014875, OMIM 617027.

Submission:

Labcorp Genetics (formerly Invitae), Labcorp
Classification: Uncertain significance for Idiopathic generalized epilepsy; Hyperaldosteronism, familial, type IV. Last evaluated: 2021-01-30. Review status: criteria provided, single submitter. Criteria: Invitae Variant Classification Sherloc (09022015). Collection method: clinical testing. Allele origin: germline.
Comment: In summary, the available evidence is currently insufficient to determine the role of this variant in disease. Therefore, it has been classified as a Variant of Uncertain Significance. Advanced modeling of protein sequence and biophysical properties (such as structural, functional, and spatial information, amino acid conservation, physicochemical variation, residue mobility, and thermodynamic stability) performed at Invitae indicates that this missense variant is not expected to disrupt CACNA1H protein function. This variant has not been reported in the literature in individuals with CACNA1H-related conditions. The frequency data for this variant in the population databases is considered unreliable, as metrics indicate insufficient coverage at this position in the ExAC database. This sequence change replaces valine with alanine at codon 2019 of the CACNA1H protein (p.Val2019Ala). The valine residue is weakly conserved and there is a small physicochemical difference between valine and alanine.

NM_021098.3(CACNA1H):c.6056T>C (p.Val2019Ala)

Gene: CACNA1H (calcium voltage-gated channel subunit alpha1 H; plus strand). Cytogenetic location: 16p13.3.
Variant type: single nucleotide variant.
Coding change: c.6056T>C on transcript NM_021098.3 (MANE Select); coding-DNA position 6056, T replaced by C.
Protein change: p.Val2019Ala; replaces valine 2019 with alanine.
Molecular consequence: missense variant.
Genome position (GRCh38, 1-based): chr16:1,219,988, T>C. VCF-style: chr16-1219988-T-C. GRCh37 (hg19) VCF-style: chr16-1269988-T-C.
Other names: c.6038T>C, p.Val2013Ala (NM_001005407.2); short protein forms V2019A, V2013A.
Identifiers: ClinVar variation 1462802 (VCV001462802.8), dbSNP rs2141405874, ClinGen allele CA394148984.